The following is an entry in ClinVar:

NM_000535.7(PMS2):c.808T>C (p.Ser270Pro)

Gene: PMS2 (PMS1 homolog 2, mismatch repair system component; minus strand). Cytogenetic location: 7p22.1.
Variant type: single nucleotide variant.
Coding change: c.808T>C on transcript NM_000535.7 (MANE Select); coding-DNA position 808, T replaced by C.
Protein change: p.Ser270Pro; replaces serine 270 with proline.
Molecular consequence: missense variant. On other transcripts: non-coding transcript variant (1), 5 prime UTR variant (2).
Genome position (GRCh38, 1-based): chr7:5,995,629, A>G on the plus strand (T>C on the coding strand, the complement: PMS2 is on the minus strand). VCF-style: chr7-5995629-A-G. GRCh37 (hg19) VCF-style: chr7-6035260-A-G.
Other names: c.700T>C, p.Ser234Pro (NM_001406869.1); c.808T>C, p.Ser270Pro (NM_001406870.1, NM_001406871.1, NM_001406872.1 and 2 more transcripts); c.640T>C, p.Ser214Pro (NM_001406874.1, NM_001406884.1); c.499T>C, p.Ser167Pro (NM_001406875.1, NM_001406877.1, NM_001406878.1 and 6 more transcripts); c.490T>C, p.Ser164Pro (NM_001406876.1, NM_001406883.1, NM_001406901.1 and 4 more transcripts); c.472T>C, p.Ser158Pro (NM_001406885.1); c.403T>C, p.Ser135Pro (NM_001406887.1, NM_001406888.1, NM_001406889.1 and 20 more transcripts); c.295T>C, p.Ser99Pro (NM_001406904.1, NM_001406905.1); and 4 more; short protein forms S167P, S214P, S278P, S158P, S164P, S332P, S270P, S135P.
Identifiers: ClinVar variation 1761949 (VCV001761949.2), dbSNP rs2536157086, ClinGen allele CA366743577.

ClinVar aggregate classification (germline): Uncertain significance (1 of 4 stars; one submission).

Conditions:
Hereditary cancer-predisposing syndrome. Also called: Neoplastic Syndromes, Hereditary; Tumor predisposition; Hereditary Cancer Syndrome; Hereditary neoplastic syndrome. Identifiers: Orphanet 140162, MedGen C0027672, MeSH D009386, MONDO:0015356.

Submission:

Ambry Genetics
Classification: Uncertain significance for Hereditary cancer-predisposing syndrome. Last evaluated: 2022-08-02. Review status: criteria provided, single submitter. Criteria: Ambry Variant Classification Scheme 2023. Collection method: clinical testing. Allele origin: germline.
Comment: The p.S270P variant (also known as c.808T>C), located in coding exon 8 of the PMS2 gene, results from a T to C substitution at nucleotide position 808. The serine at codon 270 is replaced by proline, an amino acid with similar properties. This amino acid position is not well conserved in available vertebrate species. In addition, the in silico prediction for this alteration is inconclusive. Since supporting evidence is limited at this time, the clinical significance of this alteration remains unclear.